The following is an entry in ClinVar:

NM_001163435.3(TBCK):c.196C>T (p.Arg66Ter)

Gene: TBCK (TBC1 domain containing kinase; minus strand). Cytogenetic location: 4q24.
Variant type: single nucleotide variant.
Coding change: c.196C>T on transcript NM_001163435.3 (MANE Select); coding-DNA position 196, C replaced by T.
Protein change: p.Arg66Ter; replaces arginine 66 with a stop codon.
Molecular consequence: nonsense. On other transcripts: 5 prime UTR variant (1).
Genome position (GRCh38, 1-based): chr4:106,295,164, G>A on the plus strand (C>T on the coding strand, the complement: TBCK is on the minus strand). VCF-style: chr4-106295164-G-A. GRCh37 (hg19) VCF-style: chr4-107216321-G-A.
Other names: NM_001163435.3(TBCK):c.196C>T; p.Arg66Ter; c.196C>T, p.Arg66Ter (NM_001163436.4, NM_001163437.3, NM_033115.5); c.-422C>T (NM_001290768.2); short protein forms R66*.
Identifiers: ClinVar variation 1375645 (VCV001375645.7), dbSNP rs774755464, ClinGen allele CA103420333.
Genomic context (GRCh38, chr4:106,295,164, plus strand): 5'-TCCTTTCTCGAAGCAAGTCTTCCAGACTACGTTCACAATGTTCAGCCACGACCACTAGTC[G>A]TTCTGAGAAAAACAAAGCAAACCCATGTTATATTTTATCAATACAACATGTTAAAAACAA-3'

ClinVar aggregate classification (germline): Pathogenic/Likely pathogenic. Review status: criteria provided, multiple submitters, no conflicts (2 of 4 stars). 2 submissions from 2 submitters: Pathogenic (1); Likely pathogenic (1). Last evaluated 2025-11-17.

Conditions:
Hypotonia, infantile, with psychomotor retardation and characteristic facies 3 (IHPRF3). Also called: TBCK-Related Neurodevelopmental Disorder. Identifiers: Orphanet 488632, MedGen C5567480, MONDO:0014823, OMIM 616900.

Allele frequency attached by ClinVar (database versions not stated): TOPMed below 0.00001; gnomAD exomes 0.00001.
gnomAD v4.1: 6 of 1,609,272 alleles (0.00037%); highest among the groups gnomAD compares: Admixed American, 0.0017%; no homozygotes.

Submissions (2):

Labcorp Genetics (formerly Invitae), Labcorp
Classification: Pathogenic. Last evaluated: 2025-11-17. Review status: criteria provided, single submitter. Criteria: Invitae Variant Classification Sherloc (09022015). Collection method: clinical testing. Allele origin: germline.
Comment: This sequence change creates a premature translational stop signal (p.Arg66*) in the TBCK gene. It is expected to result in an absent or disrupted protein product. Loss-of-function variants in TBCK are known to be pathogenic (PMID: 27040692, 30103036). This variant is present in population databases (rs774755464, gnomAD 0.003%). This variant has not been reported in the literature in individuals affected with TBCK-related conditions. ClinVar contains an entry for this variant (Variation ID: 1375645). For these reasons, this variant has been classified as Pathogenic.

Broad Center for Mendelian Genomics, Broad Institute of MIT and Harvard
Classification: Likely pathogenic for Hypotonia, infantile, with psychomotor retardation and characteristic facies 3. Last evaluated: 2025-01-15. Review status: criteria provided, single submitter. Criteria: ACMG Guidelines, 2015. Collection method: curation. Allele origin: germline. Inheritance: Autosomal recessive inheritance.
Comment: The p.Arg66Ter variant in TBCK has not been previously reported in the literature in individuals with TBCK-related intellectual disability syndrome, but has been identified in 0.002% (1/58554) of Latino/Admixed American chromosomes by the Genome Aggregation Database (gnomAD; dbSNP ID: rs774755464). Although this variant has been seen in the general population in a heterozygous state, its frequency is low enough to be consistent with a recessive carrier frequency. This variant has also been reported in ClinVar (Variation ID: 1375645) and has been interpreted as pathogenic by Invitae. This nonsense variant leads to a premature termination codon at position 66, which is predicted to lead to a truncated or absent protein. Loss of function of the TBCK gene is an established disease mechanism in autosomal recessive TBCK-related intellectual disability syndrome. In summary, although additional studies are required to fully establish its clinical significance, this variant is likely pathogenic for autosomal recessive TBCK-related intellectual disability syndrome. ACMG/AMP Criteria applied: PVS1, PM2_supporting (Richards 2015).

Literature cited by the submitters: PubMed 27040692 (cited by Labcorp Genetics (formerly Invitae), Labcorp); PubMed 30103036 (cited by Labcorp Genetics (formerly Invitae), Labcorp).